The following is an entry in ClinVar:

NM_003579.4(RAD54L):c.492G>T (p.Leu164=)

Gene: RAD54L (RAD54 like; plus strand). Cytogenetic location: 1p34.1.
Variant type: single nucleotide variant.
Coding change: c.492G>T on transcript NM_003579.4 (MANE Select); coding-DNA position 492, G replaced by T.
Protein change: p.Leu164=; no amino-acid change (leucine 164 retained).
Molecular consequence: synonymous variant. On other transcripts: 5 prime UTR variant (1).
Genome position (GRCh38, 1-based): chr1:46,260,741, G>T. VCF-style: chr1-46260741-G-T. GRCh37 (hg19) VCF-style: chr1-46726413-G-T.
Other names: c.492G>T, p.Leu164= (NM_001142548.2); c.-49G>T (NM_001370766.1).
Identifiers: ClinVar variation 1744192 (VCV001744192.5), dbSNP rs200520187, ClinGen allele CA834281.

ClinVar aggregate classification (germline): Likely benign. Review status: criteria provided, multiple submitters, no conflicts (2 of 4 stars). 3 submissions from 3 submitters: Likely benign (2). 1 of the submissions does not count toward it. Last evaluated 2026-08-01.

Conditions:
RAD54L-related disorder. Also called: RAD54L-related condition.

gnomAD v4.1: 206 of 1,614,116 alleles (0.013%); highest among the groups gnomAD compares: Non-Finnish European, 0.016%; no homozygotes.

Submissions (3):

CeGaT Center for Human Genetics Tuebingen
Classification: Likely benign. Last evaluated: 2026-08-01. Review status: criteria provided, single submitter. Criteria: CeGaT Center For Human Genetics Tuebingen Variant Classification Criteria Version 2. Collection method: clinical testing. Allele origin: germline. Affected: yes. Observed: 1 variant allele.
Comment: RAD54L: BP4, BP7

Ambry Genetics
Classification: Likely benign. Last evaluated: 2022-03-03. Review status: criteria provided, single submitter. Criteria: Ambry Variant Classification Scheme 2023. Collection method: clinical testing. Allele origin: germline.

PreventionGenetics, part of Exact Sciences
Classification: Likely benign for RAD54L-related condition. Last evaluated: 2019-06-24. Review status: no assertion criteria provided. Collection method: clinical testing. Allele origin: germline. Not counted in ClinVar's aggregate classification.
Comment: This variant is classified as likely benign based on ACMG/AMP sequence variant interpretation guidelines (Richards et al. 2015 PMID: 25741868, with internal and published modifications).